The following is an entry in ClinVar:

ClinVar aggregate classification (germline): Uncertain significance (1 of 4 stars; one submission).

Submission:

Labcorp Genetics (formerly Invitae), Labcorp
Classification: Uncertain significance. Last evaluated: 2024-09-30. Review status: criteria provided, single submitter. Criteria: Invitae Variant Classification Sherloc (09022015). Collection method: clinical testing. Allele origin: germline.
Comment: This sequence change falls in intron 39 of the RTTN gene. It does not directly change the encoded amino acid sequence of the RTTN protein. This variant is not present in population databases (gnomAD no frequency). This variant has not been reported in the literature in individuals affected with RTTN-related conditions. Algorithms developed to predict the effect of sequence changes on RNA splicing suggest that this variant may disrupt the consensus splice site. In summary, the available evidence is currently insufficient to determine the role of this variant in disease. Therefore, it has been classified as a Variant of Uncertain Significance.

NM_173630.4(RTTN):c.5324-9T>A

Genes: RTTN (rotatin; minus strand), LOC126862785 (MED14-independent group 3 enhancer GRCh37_chr18:67714790-67715989; plus strand). Cytogenetic location: 18q22.2.
Variant type: single nucleotide variant.
Coding change: c.5324-9T>A on transcript NM_173630.4 (MANE Select); 9 bases into the intron before coding-DNA position 5324, T replaced by A.
Molecular consequence: intron variant.
Genome position (GRCh38, 1-based): chr18:70,048,197, A>T on the plus strand (T>A on the coding strand, the complement: RTTN is on the minus strand). VCF-style: chr18-70048197-A-T. GRCh37 (hg19) VCF-style: chr18-67715433-A-T.
Other names: c.2588-9T>A (NM_001318520.2).
Identifiers: ClinVar variation 3652926 (VCV003652926.2).